The following is an entry in ClinVar:

ClinVar aggregate classification (germline): Uncertain significance (1 of 4 stars; one submission).

Conditions:
Retinitis pigmentosa 20 (RP20). Identifiers: Orphanet 791, MedGen C3151086, MONDO:0013425, OMIM 613794.
Leber congenital amaurosis 2 (LCA2). Also called: AMAUROSIS CONGENITA OF LEBER II; Autosomal Recessive RPE65-Related Retinal Degeneration. Identifiers: Orphanet 65, MedGen C1859844, MONDO:0008765, OMIM 204100. Disease mechanism: loss of function.

gnomAD v4.1: 1 of 1,614,138 alleles (0.000062%); highest among the groups gnomAD compares: Middle Eastern, 0.016%; no homozygotes.

Submission:

Labcorp Genetics (formerly Invitae), Labcorp
Classification: Uncertain significance for Leber congenital amaurosis 2; Retinitis pigmentosa 20. Last evaluated: 2024-09-03. Review status: criteria provided, single submitter. Criteria: Invitae Variant Classification Sherloc (09022015). Collection method: clinical testing. Allele origin: germline.
Comment: This sequence change replaces tyrosine, which is neutral and polar, with cysteine, which is neutral and slightly polar, at codon 299 of the RPE65 protein (p.Tyr299Cys). This variant is present in population databases (no rsID available, gnomAD no frequency). This variant has not been reported in the literature in individuals affected with RPE65-related conditions. Invitae Evidence Modeling of protein sequence and biophysical properties (such as structural, functional, and spatial information, amino acid conservation, physicochemical variation, residue mobility, and thermodynamic stability) indicates that this missense variant is not expected to disrupt RPE65 protein function with a negative predictive value of 80%. In summary, the available evidence is currently insufficient to determine the role of this variant in disease. Therefore, it has been classified as a Variant of Uncertain Significance.

NM_000329.3(RPE65):c.896A>G (p.Tyr299Cys)

Gene: RPE65 (retinoid isomerohydrolase RPE65; minus strand). Cytogenetic location: 1p31.3.
Variant type: single nucleotide variant.
Coding change: c.896A>G on transcript NM_000329.3 (MANE Select); coding-DNA position 896, A replaced by G.
Protein change: p.Tyr299Cys; replaces tyrosine 299 with cysteine.
Molecular consequence: missense variant.
Genome position (GRCh38, 1-based): chr1:68,439,044, T>C on the plus strand (A>G on the coding strand, the complement: RPE65 is on the minus strand). VCF-style: chr1-68439044-T-C. GRCh37 (hg19) VCF-style: chr1-68904727-T-C.
Other names: c.788A>G, p.Tyr263Cys (NM_001406853.1); c.620A>G, p.Tyr207Cys (NM_001406856.1, NM_001406857.1); c.896A>G, p.Tyr299Cys (NM_001406859.1); short protein forms Y207C, Y263C, Y299C.
Identifiers: ClinVar variation 3751106 (VCV003751106.2).
Genomic context (GRCh38, chr1:68,439,044, plus strand): 5'-TCATAGGTGTTGATGTGATGGAAGAGGTTGAAAGGAGAAGTTCTGTATTTATTATTGAGG[T>C]ACTTTTTCCTTTTTTTGTCAGCAATATGAAGCCAAACCTTGAAAAATGAGGAAAATATTT-3'
Protein context (NP_000320.1, residues 289-309): LHIADKKRKK[Tyr299Cys]LNNKYRTSPF